The following is an entry in ClinVar:

NM_004522.3(KIF5C):c.265T>C (p.Ser89Pro)

Gene: KIF5C (kinesin family member 5C; plus strand). Cytogenetic location: 2q23.1.
Variant type: single nucleotide variant.
Coding change: c.265T>C on transcript NM_004522.3 (MANE Select); coding-DNA position 265, T replaced by C.
Protein change: p.Ser89Pro; replaces serine 89 with proline.
Molecular consequence: missense variant.
Genome position (GRCh38, 1-based): chr2:148,929,328, T>C. VCF-style: chr2-148929328-T-C. GRCh37 (hg19) VCF-style: chr2-149686897-T-C.
Other names: short protein forms S89P.
Identifiers: ClinVar variation 1878628 (VCV001878628.1), dbSNP rs1215264639, ClinGen allele CA348727021.
Genomic context (GRCh38, chr2:148,929,328, plus strand): 5'-TTCTTGTTCACAGATGTCCTTGAAGGTTATAACGGGACGATTTTTGCGTATGGGCAGACT[T>C]CATCAGGAAAAACCCACACCATGGAGGTAAGATTACAATGTGCTCTAATGCGAATCTCTG-3'
Protein context (NP_004513.1, residues 79-99): NGTIFAYGQT[Ser89Pro]SGKTHTMEGK

ClinVar aggregate classification (germline): Pathogenic (1 of 4 stars; one submission).

Conditions:
Complex cortical dysplasia with other brain malformations 2. Identifiers: MedGen C3809013, MONDO:0014116, OMIM 615282.

Submission:

Neuberg Centre For Genomic Medicine, NCGM
Classification: Pathogenic for Complex cortical dysplasia with other brain malformations 2. Review status: criteria provided, single submitter. Criteria: ACMG Guidelines, 2015. Collection method: clinical testing. Allele origin: germline. Affected: yes.
Comment: The missense variant p.S89P in KIF5C (NM_004522.2) has not been reported previously as a pathogenic variant nor as a benign variant, to our knowledge. The p.S89P variant is novel (not in any individuals) in gnomAD Exomes and is novel (not in any individuals) in 1000 Genomes. There is a moderate physicochemical difference between serine and proline. The p.S89P missense variant is predicted to be damaging by both SIFT and PolyPhen2. The serine residue at codon 89 of KIF5C is conserved in all mammalian species. The nucleotide c.265 in KIF5C is predicted conserved by GERP++ and PhyloP across 100 vertebrates. For these reasons, this variant has been classified as Uncertain Significance.